The following is an entry in ClinVar:

NC_000016.9:g.(?_14720953)_(14721203_?)del

Gene: PARN (poly(A)-specific ribonuclease; minus strand). Cytogenetic location: 16p13.12.
Variant type: Deletion.
Identifiers: ClinVar variation 3243542 (VCV003243542.1).

ClinVar aggregate classification (germline): Pathogenic (1 of 4 stars; one submission).

Conditions:
Dyskeratosis congenita, autosomal recessive 6 (DKCB6). Identifiers: MedGen C4225356, MONDO:0014600, OMIM 616353.
Pulmonary fibrosis and/or bone marrow failure, Telomere-related, 4. Also called: PULMONARY FIBROSIS AND/OR BONE MARROW FAILURE SYNDROME, TELOMERE-RELATED, 4. Identifiers: Orphanet 2032, MedGen C4225347, MONDO:0014612, OMIM 616371.

Submission:

Labcorp Genetics (formerly Invitae), Labcorp
Classification: Pathogenic for Dyskeratosis congenita, autosomal recessive 6; Pulmonary fibrosis and/or bone marrow failure, Telomere-related, 4. Last evaluated: 2023-03-18. Review status: criteria provided, single submitter. Criteria: Invitae Variant Classification Sherloc (09022015). Collection method: clinical testing. Allele origin: unknown.
Comment: This variant disrupts a region of the PARN protein in which other variant(s) (p.Tyr91Cys) have been determined to be pathogenic (PMID: 31448843; Invitae). This suggests that this is a clinically significant region of the protein, and that variants that disrupt it are likely to be disease-causing. For these reasons, this variant has been classified as Pathogenic. This variant has not been reported in the literature in individuals affected with PARN-related conditions. This variant is a gross deletion of the genomic region encompassing exon(s) 4-5 of the PARN gene. This variant would be expected to be in-frame, preserving the integrity of the reading frame.

Literature cited by the submitters: PubMed 31448843.